The following is an entry in ClinVar:

NM_030662.4(MAP2K2):c.829G>A (p.Ala277Thr)

Gene: MAP2K2 (mitogen-activated protein kinase kinase 2; minus strand). Cytogenetic location: 19p13.3.
Variant type: single nucleotide variant.
Coding change: c.829G>A on transcript NM_030662.4 (MANE Select); coding-DNA position 829, G replaced by A.
Protein change: p.Ala277Thr; replaces alanine 277 with threonine.
Molecular consequence: missense variant.
Genome position (GRCh38, 1-based): chr19:4,099,291, C>T on the plus strand (G>A on the coding strand, the complement: MAP2K2 is on the minus strand). VCF-style: chr19-4099291-C-T. GRCh37 (hg19) VCF-style: chr19-4099289-C-T.
Other names: short protein forms A277T.
Identifiers: ClinVar variation 2572251 (VCV002572251.1), dbSNP rs2145049995, ClinGen allele CA403385543.

ClinVar aggregate classification (germline): Uncertain significance (1 of 4 stars; one submission).

Submission:

Greenwood Genetic Center Diagnostic Laboratories, Greenwood Genetic Center
Classification: Uncertain significance. Last evaluated: 2023-06-01. Review status: criteria provided, single submitter. Criteria: ACMG Guidelines, 2015. Collection method: clinical testing. Allele origin: germline. Affected: yes.
Comment: PM2